The following is an entry in ClinVar:

NM_001849.4(COL6A2):c.1734+35A>G

Gene: COL6A2 (collagen type VI alpha 2 chain; plus strand). Cytogenetic location: 21q22.3.
Variant type: single nucleotide variant.
Coding change: c.1734+35A>G on transcript NM_001849.4 (MANE Select); 35 bases into the intron after coding-DNA position 1734, A replaced by G.
Molecular consequence: intron variant.
Genome position (GRCh38, 1-based): chr21:46,124,748, A>G. VCF-style: chr21-46124748-A-G. GRCh37 (hg19) VCF-style: chr21-47544662-A-G.
Other names: c.1734+35A>G (NM_058175.3, NM_058174.3).
Identifiers: ClinVar variation 93918 (VCV000093918.7), dbSNP rs55933135, ClinGen allele CA147442.

ClinVar aggregate classification (germline): Benign. Review status: criteria provided, multiple submitters, no conflicts (2 of 4 stars). 4 submissions from 4 submitters: Benign (4). Last evaluated 2018-06-19.

Allele frequency attached by ClinVar (database versions not stated): gnomAD exomes 0.09636 and 0.09789; ExAC 0.10355; gnomAD 0.14788 and 0.15106; 1000 Genomes Project 0.15615; TOPMed 0.15707; 1000 Genomes Project 30x 0.15896; ESP Exome Variant Server 0.16749.
gnomAD v4.1: 165,278 of 1,607,886 alleles (10%); highest among the groups gnomAD compares: African/African-American, 32%; 11,125 homozygotes.

Submissions (4):

GeneDx
Classification: Benign. Last evaluated: 2018-06-19. Review status: criteria provided, single submitter. Criteria: GeneDx Variant Classification (06012015). Collection method: clinical testing. Allele origin: germline. Affected: yes.
Comment: This variant is considered likely benign or benign based on one or more of the following criteria: it is a conservative change, it occurs at a poorly conserved position in the protein, it is predicted to be benign by multiple in silico algorithms, and/or has population frequency not consistent with disease.

Eurofins Ntd Llc (ga)
Classification: Benign. Last evaluated: 2012-11-16. Review status: criteria provided, single submitter. Criteria: EGL Classification Definitions 2015. Collection method: clinical testing. Allele origin: germline. Observed: 9 variant alleles, 9 heterozygotes.

Breakthrough Genomics
Classification: Benign. Review status: criteria provided, single submitter. Criteria: ACMG Guidelines, 2015. Collection method: not provided. Allele origin: germline. Inheritance: Autosomal recessive inheritance. Affected: yes.

PreventionGenetics, part of Exact Sciences
Classification: Benign. Review status: criteria provided, single submitter. Criteria: ACMG Guidelines, 2015. Collection method: clinical testing. Allele origin: germline.